The following is an entry in ClinVar:

NM_199420.4(POLQ):c.5441A>G (p.Gln1814Arg)

Gene: POLQ (DNA polymerase theta; minus strand). Cytogenetic location: 3q13.33.
Variant type: single nucleotide variant.
Coding change: c.5441A>G on transcript NM_199420.4 (MANE Select); coding-DNA position 5441, A replaced by G.
Protein change: p.Gln1814Arg; replaces glutamine 1814 with arginine.
Molecular consequence: missense variant.
Genome position (GRCh38, 1-based): chr3:121,487,490, T>C on the plus strand (A>G on the coding strand, the complement: POLQ is on the minus strand). VCF-style: chr3-121487490-T-C. GRCh37 (hg19) VCF-style: chr3-121206337-T-C.
Other names: short protein forms Q1814R.
Identifiers: ClinVar variation 1747556 (VCV001747556.2), dbSNP rs2546784738, ClinGen allele CA354090177.

ClinVar aggregate classification (germline): Uncertain significance (1 of 4 stars; one submission).

Submission:

Ambry Genetics
Classification: Uncertain significance. Last evaluated: 2022-08-12. Review status: criteria provided, single submitter. Criteria: Ambry Variant Classification Scheme 2023. Collection method: clinical testing. Allele origin: germline.
Comment: The p.Q1814R variant (also known as c.5441A>G), located in coding exon 16 of the POLQ gene, results from an A to G substitution at nucleotide position 5441. The glutamine at codon 1814 is replaced by arginine, an amino acid with highly similar properties. This amino acid position is conserved. In addition, this alteration is predicted to be tolerated by in silico analysis. Since supporting evidence is limited at this time, the clinical significance of this alteration remains unclear.